The following is an entry in ClinVar:

ClinVar aggregate classification (germline): Uncertain significance (1 of 4 stars; one submission).

Conditions:
Nephronophthisis 18 (NPHP18). Identifiers: Orphanet 655, MedGen C3890591, MONDO:0014374, OMIM 615862.

Allele frequency attached by ClinVar (database versions not stated): ExAC 0.00001; gnomAD 0.00003; gnomAD exomes 0.00003 and 0.00006; TOPMed 0.00003.
gnomAD v4.1: 43 of 1,499,028 alleles (0.0029%); highest among the groups gnomAD compares: Middle Eastern, 0.018%; no homozygotes.

Submission:

Labcorp Genetics (formerly Invitae), Labcorp
Classification: Uncertain significance for Nephronophthisis 18. Last evaluated: 2022-09-19. Review status: criteria provided, single submitter. Criteria: Invitae Variant Classification Sherloc (09022015). Collection method: clinical testing. Allele origin: germline.
Comment: This variant is present in population databases (rs754009093, gnomAD 0.1%). In summary, the available evidence is currently insufficient to determine the role of this variant in disease. Therefore, it has been classified as a Variant of Uncertain Significance. Algorithms developed to predict the effect of missense changes on protein structure and function output the following: SIFT: "Not Available"; PolyPhen-2: "Benign"; Align-GVGD: "Not Available". The glutamine amino acid residue is found in multiple mammalian species, which suggests that this missense change does not adversely affect protein function. ClinVar contains an entry for this variant (Variation ID: 950803). This variant has not been reported in the literature in individuals affected with CEP83-related conditions. This sequence change replaces arginine, which is basic and polar, with glutamine, which is neutral and polar, at codon 303 of the CEP83 protein (p.Arg303Gln).

NM_016122.3(CEP83):c.908G>A (p.Arg303Gln)

Gene: CEP83 (centrosomal protein 83; minus strand). Cytogenetic location: 12q22.
Variant type: single nucleotide variant.
Coding change: c.908G>A on transcript NM_016122.3 (MANE Select); coding-DNA position 908, G replaced by A.
Protein change: p.Arg303Gln; replaces arginine 303 with glutamine.
Molecular consequence: missense variant. On other transcripts: non-coding transcript variant (2).
Genome position (GRCh38, 1-based): chr12:94,375,911, C>T on the plus strand (G>A on the coding strand, the complement: CEP83 is on the minus strand). VCF-style: chr12-94375911-C-T. GRCh37 (hg19) VCF-style: chr12-94769687-C-T.
Other names: c.908G>A, p.Arg303Gln (NM_001042399.2, NM_001346457.2, NM_001346460.2 and 3 more transcripts); c.596G>A, p.Arg199Gln (NM_001346458.2, NM_001346459.2, NM_001346462.2 and 2 more transcripts); c.683G>A, p.Arg228Gln (NM_001368041.1); c.371G>A, p.Arg124Gln (NM_001368042.1); short protein forms R303Q, R199Q, R228Q, R124Q.
Identifiers: ClinVar variation 950803 (VCV000950803.7), dbSNP rs754009093, ClinGen allele CA6721808.